The following is an entry in ClinVar:

NM_002778.4(PSAP):c.1297C>G (p.Leu433Val)

Gene: PSAP (prosaposin; minus strand). Cytogenetic location: 10q22.1.
Variant type: single nucleotide variant.
Coding change: c.1297C>G on transcript NM_002778.4 (MANE Select); coding-DNA position 1297, C replaced by G.
Protein change: p.Leu433Val; replaces leucine 433 with valine.
Molecular consequence: missense variant.
Genome position (GRCh38, 1-based): chr10:71,819,518, G>C on the plus strand (C>G on the coding strand, the complement: PSAP is on the minus strand). VCF-style: chr10-71819518-G-C. GRCh37 (hg19) VCF-style: chr10-73579275-G-C.
Other names: c.1306C>G, p.Leu436Val (NM_001042465.3); c.1303C>G, p.Leu435Val (NM_001042466.3); c.1297C>G (NM_002778.2); short protein forms L436V, L433V, L435V.
Identifiers: ClinVar variation 1518960 (VCV001518960.6), dbSNP rs761967647, ClinGen allele CA5547403.

ClinVar aggregate classification (germline): Uncertain significance. Review status: criteria provided, multiple submitters, no conflicts (2 of 4 stars). 2 submissions from 2 submitters: Uncertain significance (2). Last evaluated 2022-10-31.

Conditions:
Sphingolipid activator protein 1 deficiency. Also called: METACHROMATIC LEUKODYSTROPHY DUE TO CEREBROSIDE SULFATASE ACTIVATOR DEFICIENCY; Metachromatic leukodystrophy due to saposin B deficiency; Saposin B Deficiency. Identifiers: Orphanet 512, MedGen C0268262, MONDO:0009590, OMIM 249900.
Inborn genetic diseases. Identifiers: MedGen C0950123, MeSH D030342.

Allele frequency attached by ClinVar (database versions not stated): gnomAD exomes below 0.00001; ExAC 0.00001; TOPMed 0.00001; gnomAD 0.00002.
gnomAD v4.1: 14 of 1,614,110 alleles (0.00087%); highest among the groups gnomAD compares: African/African-American, 0.0027%; no homozygotes.

Submissions (2):

Labcorp Genetics (formerly Invitae), Labcorp
Classification: Uncertain significance for Sphingolipid activator protein 1 deficiency. Last evaluated: 2022-10-31. Review status: criteria provided, single submitter. Criteria: Invitae Variant Classification Sherloc (09022015). Collection method: clinical testing. Allele origin: germline.
Comment: This sequence change replaces leucine, which is neutral and non-polar, with valine, which is neutral and non-polar, at codon 433 of the PSAP protein (p.Leu433Val). This variant is present in population databases (rs761967647, gnomAD 0.0009%). This variant has not been reported in the literature in individuals affected with PSAP-related conditions. ClinVar contains an entry for this variant (Variation ID: 1518960). Advanced modeling of protein sequence and biophysical properties (such as structural, functional, and spatial information, amino acid conservation, physicochemical variation, residue mobility, and thermodynamic stability) performed at Invitae indicates that this missense variant is expected to disrupt PSAP protein function. In summary, the available evidence is currently insufficient to determine the role of this variant in disease. Therefore, it has been classified as a Variant of Uncertain Significance.

Ambry Genetics
Classification: Uncertain significance for Inborn genetic diseases. Last evaluated: 2022-06-06. Review status: criteria provided, single submitter. Criteria: Ambry Variant Classification Scheme 2023. Collection method: clinical testing. Allele origin: germline.